The following is an entry in ClinVar:

NM_000038.6(APC):c.7807_7810del (p.Glu2603fs)

Gene: APC (APC regulator of Wnt signaling pathway; plus strand). Cytogenetic location: 5q22.2.
Variant type: Deletion.
Coding change: c.7807_7810del on transcript NM_000038.6 (MANE Select); coding-DNA positions 7807 to 7810, 4 bases deleted (GAAA; older notation c.7807_7810delGAAA).
Protein change: p.Glu2603fs; shifts the reading frame from glutamic acid 2603.
Molecular consequence: frameshift variant. On other transcripts: non-coding transcript variant (2).
Genome position (GRCh38, 1-based): chr5:112,843,401-112,843,404, GAAA deleted; deleting any 4 consecutive bases within chr5:112,843,398-112,843,404 gives the same sequence; the c. name uses the placement nearest the transcript's 3' end. VCF-style (leftmost placement, unchanged base first): chr5-112843397-TAAAG-T. GRCh37 (hg19) VCF-style: chr5-112179094-TAAAG-T.
Other names: c.7807_7810del, p.Glu2603fs (NM_001127510.3, NM_001354895.2, NM_001407450.1); c.7753_7756del, p.Glu2585fs (NM_001127511.3); c.7861_7864del, p.Glu2621fs (NM_001354896.2, NM_001407447.1, NM_001407448.1 and 1 more transcripts); c.7837_7840del, p.Glu2613fs (NM_001354897.2); c.7732_7735del, p.Glu2578fs (NM_001354898.2); c.7723_7726del, p.Glu2575fs (NM_001354899.2); c.7684_7687del, p.Glu2562fs (NM_001354900.2); c.7630_7633del, p.Glu2544fs (NM_001354901.2, NM_001407453.1); and 11 more; short protein forms E2320fs, E2443fs, E2474fs, E2502fs, E2512fs, E2562fs, E2596fs, E2603fs.
Identifiers: ClinVar variation 2709548 (VCV002709548.3), dbSNP rs2533820847, ClinGen allele CA2697546409.

ClinVar aggregate classification (germline): Pathogenic (1 of 4 stars; one submission).

Conditions:
Familial adenomatous polyposis 1 (FAP1). Also called: FAMILIAL ADENOMATOUS POLYPOSIS 1, ATTENUATED; POLYPOSIS, ADENOMATOUS INTESTINAL. Identifiers: MedGen C2713442, MONDO:0021056, OMIM 175100. Disease mechanism: loss of function.

Submission:

Labcorp Genetics (formerly Invitae), Labcorp
Classification: Pathogenic for Familial adenomatous polyposis 1. Last evaluated: 2024-01-16. Review status: criteria provided, single submitter. Criteria: Invitae Variant Classification Sherloc (09022015). Collection method: clinical testing. Allele origin: germline.
Comment: This sequence change creates a premature translational stop signal (p.Glu2603Thrfs*12) in the APC gene. While this is not anticipated to result in nonsense mediated decay, it is expected to disrupt the last 241 amino acid(s) of the APC protein. This variant is not present in population databases (gnomAD no frequency). This variant has not been reported in the literature in individuals affected with APC-related conditions. This variant is expected to disrupt the EB1 and HDLG binding sites, which mediate interactions with the cytoskeleton (PMID: 15311282, 17293347). While functional studies have not been performed to directly test the effect on APC protein function, this suggests that disruption of the C-terminal portion of the protein is functionally important. A different truncation (p.Tyr2645Lysfs*14) that lies downstream of this variant has been determined to be pathogenic (PMID: 9824584, 1316610, 27081525, 8381579, 22135120, Invitae). This suggests that deletion of this region of the APC protein is causative of disease. For these reasons, this variant has been classified as Pathogenic.

Literature cited by the submitters: PubMed 15311282; PubMed 17293347; PubMed 9824584; PubMed 1316610; PubMed 27081525; PubMed 8381579; PubMed 22135120.